The following is an entry in ClinVar:

ClinVar aggregate classification (germline): Uncertain significance. Review status: criteria provided, multiple submitters, no conflicts (2 of 4 stars). 6 submissions from 6 submitters: Uncertain significance (6). Last evaluated 2026-02-27.

Conditions:
DSP-related disorder. Also called: DSP-related condition; DSP-related disorders.
Cardiovascular phenotype. Identifiers: MedGen CN230736.
Arrhythmogenic cardiomyopathy with wooly hair and keratoderma. Also called: PALMOPLANTAR KERATODERMA WITH LEFT VENTRICULAR CARDIOMYOPATHY AND WOOLLY HAIR; Carvajal syndrome; Dilated cardiomyopathy with woolly hair and keratoderma; Arrhythmogenic cardiomyopathy with woolly hair and keratoderma. Identifiers: Orphanet 65282, MedGen C1854063, MONDO:0011581, OMIM 605676.
Cardiomyopathy (CMYO). Also called: Cardiomyopathies. Identifiers: Orphanet 167848, MedGen C0878544, MONDO:0004994, HP:0001638. Inheritance: Various modes of inheritance.
Arrhythmogenic right ventricular dysplasia 8 (ARVD8). Also called: ARRHYTHMOGENIC RIGHT VENTRICULAR DYSPLASIA, FAMILIAL, 8; ARRHYTHMOGENIC RIGHT VENTRICULAR CARDIOMYOPATHY 8; Arrhythmogenic Right Ventricular Dysplasia/Cardiomyopathy 8. Identifiers: MedGen C1843896, MONDO:0011831, OMIM 607450.

Allele frequency attached by ClinVar (database versions not stated): gnomAD exomes below 0.00001 and 0.00001; ExAC 0.00001; gnomAD 0.00001; TOPMed 0.00002.

Submissions (6):

Ambry Genetics
Classification: Uncertain significance for Cardiovascular phenotype. Last evaluated: 2026-02-27. Review status: criteria provided, single submitter. Criteria: Ambry Variant Classification Scheme 2023. Collection method: clinical testing. Allele origin: germline.

PreventionGenetics, part of Exact Sciences
Classification: Uncertain significance for DSP-related condition. Last evaluated: 2025-10-12. Review status: criteria provided, single submitter. Criteria: ACMG Guidelines, 2015. Collection method: clinical testing. Allele origin: germline.
Comment: The DSP c.4754C>T variant is predicted to result in the amino acid substitution p.Ser1585Leu. This variant has been reported as a variant of uncertain significance in a cohort of individuals referred for genetic testing of cardiomyopathy and/or arrhythmia; however, detailed clinical information was not available (Supplement 2, Dellefave-Castillo et al. 2022. PubMed ID: 35947370). This variant is reported in 0.00088% of alleles in individuals of European (Non-Finnish) descent in gnomAD. At this time, the clinical significance of this variant is uncertain due to the absence of conclusive functional and genetic evidence.

Labcorp Genetics (formerly Invitae), Labcorp
Classification: Uncertain significance for Arrhythmogenic cardiomyopathy with wooly hair and keratoderma; Arrhythmogenic right ventricular dysplasia 8. Last evaluated: 2025-01-31. Review status: criteria provided, single submitter. Criteria: Invitae Variant Classification Sherloc (09022015). Collection method: clinical testing. Allele origin: germline.
Comment: This sequence change replaces serine, which is neutral and polar, with leucine, which is neutral and non-polar, at codon 1585 of the DSP protein (p.Ser1585Leu). This variant is present in population databases (rs773622004, gnomAD 0.0009%). This variant has not been reported in the literature in individuals affected with DSP-related conditions. ClinVar contains an entry for this variant (Variation ID: 496244). An algorithm developed to predict the effect of missense changes on protein structure and function (PolyPhen-2) suggests that this variant is likely to be tolerated. In summary, the available evidence is currently insufficient to determine the role of this variant in disease. Therefore, it has been classified as a Variant of Uncertain Significance.

All of Us Research Program, National Institutes of Health
Classification: Uncertain significance for Arrhythmogenic cardiomyopathy with wooly hair and keratoderma. Last evaluated: 2024-05-17. Review status: criteria provided, single submitter. Criteria: ACMG Guidelines, 2015. Collection method: clinical testing. Allele origin: germline. Inheritance: Autosomal dominant inheritance. Observed: 7 variant alleles, 7 heterozygotes.
Comment: This missense variant replaces serine with leucine at codon 1585 of the DSP protein. Computational prediction suggests that this variant may not impact protein structure and function (internally defined REVEL score threshold <= 0.5, PMID: 27666373). To our knowledge, functional studies have not been reported for this variant. This variant has not been reported in individuals affected with DSP-related disorders in the literature. This variant has been identified in 1/250344 chromosomes in the general population by the Genome Aggregation Database (gnomAD). The available evidence is insufficient to determine the role of this variant in disease conclusively. Therefore, this variant is classified as a Variant of Uncertain Significance.

This study involves interpretation of variants in research participants for the purpose of population health screening. Participant phenotype was not available at the time of variant classification. Additional details can be found in publication PMID: 35346344, PMCID: PMC8962531

Color Diagnostics, LLC DBA Color Health
Classification: Uncertain significance for Cardiomyopathy. Last evaluated: 2024-03-06. Review status: criteria provided, single submitter. Criteria: ACMG Guidelines, 2015. Collection method: clinical testing. Allele origin: germline.
Comment: This missense variant replaces serine with leucine at codon 1585 of the DSP protein. Computational prediction suggests that this variant may not impact protein structure and function (internally defined REVEL score threshold <= 0.5, PMID: 27666373). To our knowledge, functional studies have not been reported for this variant. This variant has not been reported in individuals affected with DSP-related disorders in the literature. This variant has been identified in 1/250344 chromosomes in the general population by the Genome Aggregation Database (gnomAD). The available evidence is insufficient to determine the role of this variant in disease conclusively. Therefore, this variant is classified as a Variant of Uncertain Significance.

Women's Health and Genetics/Laboratory Corporation of America, LabCorp
Classification: Uncertain significance. Last evaluated: 2017-02-20. Review status: criteria provided, single submitter. Criteria: LabCorp Variant Classification Summary - May 2015. Collection method: clinical testing. Allele origin: germline.
Comment: Variant summary: The DSP c.4754C>T (p.Ser1585Leu) variant involves the alteration of a non-conserved nucleotide and is predicted to be benign by 4/5 in silico tools. This variant is located outside of some of known domains/repeats (InterPro, UniProt). This variant was found in 1/119252 control chromosomes from ExAC at a frequency of 0.0000084, which does not exceed the estimated maximal expected allele frequency of a pathogenic DSP variant (0.00001). The variant of interest has not, to our knowledge, been reported in affected individuals via publications and/or reputable databases/clinical diagnostic laboratories, nor evaluated for functional impact by in vivo/vitro studies. Because of the absence of clinical information and the lack of functional studies, the variant is classified as a variant of uncertain significance (VUS) until additional information becomes available.

NM_004415.4(DSP):c.4754C>T (p.Ser1585Leu)

Gene: DSP (desmoplakin; plus strand). Cytogenetic location: 6p24.3.
Variant type: single nucleotide variant.
Coding change: c.4754C>T on transcript NM_004415.4 (MANE Select); coding-DNA position 4754, C replaced by T.
Protein change: p.Ser1585Leu; replaces serine 1585 with leucine.
Molecular consequence: missense variant. On other transcripts: intron variant (2).
Genome position (GRCh38, 1-based): chr6:7,580,944, C>T. VCF-style: chr6-7580944-C-T. GRCh37 (hg19) VCF-style: chr6-7581177-C-T.
Other names: c.4754C>T (NM_004415.3, LRG_423t1); c.4050+704C>T (NM_001319034.2); c.3582+1172C>T (NM_001008844.3); short protein forms S1585L.
Identifiers: ClinVar variation 496244 (VCV000496244.19), dbSNP rs773622004, ClinGen allele CA042771.
Genomic context (GRCh38, chr6:7,580,944, plus strand): 5'-AGCTGCAGCTGCAGAAGCAGAAGGTGGAAGAGGAGCTGAATCGGCTGAAGAGGACCGCGT[C>T]AGAAGACTCCTGCAAGAGGAAGAAGCTGGAGGAAGAGCTGGAAGGCATGAGGAGGTCGCT-3'
Protein context (NP_004406.2, residues 1575-1595): EELNRLKRTA[Ser1585Leu]EDSCKRKKLE